The following is an entry in ClinVar:

NM_032119.4(ADGRV1):c.3947A>T (p.Gln1316Leu)

Gene: ADGRV1 (adhesion G protein-coupled receptor V1; plus strand). Cytogenetic location: 5q14.3.
Variant type: single nucleotide variant.
Coding change: c.3947A>T on transcript NM_032119.4 (MANE Select); coding-DNA position 3947, A replaced by T.
Protein change: p.Gln1316Leu; replaces glutamine 1316 with leucine.
Molecular consequence: missense variant. On other transcripts: non-coding transcript variant (1).
Genome position (GRCh38, 1-based): chr5:90,653,521, A>T. VCF-style: chr5-90653521-A-T. GRCh37 (hg19) VCF-style: chr5-89949338-A-T.
Other names: short protein forms Q1316L.
Identifiers: ClinVar variation 1386976 (VCV001386976.6), dbSNP rs2149467186, ClinGen allele CA360400072.

ClinVar aggregate classification (germline): Uncertain significance (1 of 4 stars; one submission).

Submission:

Labcorp Genetics (formerly Invitae), Labcorp
Classification: Uncertain significance. Last evaluated: 2025-04-16. Review status: criteria provided, single submitter. Criteria: Invitae Variant Classification Sherloc (09022015). Collection method: clinical testing. Allele origin: germline.
Comment: This sequence change replaces glutamine, which is neutral and polar, with leucine, which is neutral and non-polar, at codon 1316 of the ADGRV1 protein (p.Gln1316Leu). This variant is not present in population databases (gnomAD no frequency). This variant has not been reported in the literature in individuals affected with ADGRV1-related conditions. ClinVar contains an entry for this variant (Variation ID: 1386976). Invitae Evidence Modeling of protein sequence and biophysical properties (such as structural, functional, and spatial information, amino acid conservation, physicochemical variation, residue mobility, and thermodynamic stability) indicates that this missense variant is not expected to disrupt ADGRV1 protein function with a negative predictive value of 95%. In summary, the available evidence is currently insufficient to determine the role of this variant in disease. Therefore, it has been classified as a Variant of Uncertain Significance.